The following is an entry in ClinVar:

NM_006265.3(RAD21):c.965G>A (p.Arg322Lys)

Gene: RAD21 (RAD21 cohesin complex component; minus strand). Cytogenetic location: 8q24.11.
Variant type: single nucleotide variant.
Coding change: c.965G>A on transcript NM_006265.3 (MANE Select); coding-DNA position 965, G replaced by A.
Protein change: p.Arg322Lys; replaces arginine 322 with lysine.
Molecular consequence: missense variant.
Genome position (GRCh38, 1-based): chr8:116,854,441, C>T on the plus strand (G>A on the coding strand, the complement: RAD21 is on the minus strand). VCF-style: chr8-116854441-C-T. GRCh37 (hg19) VCF-style: chr8-117866680-C-T.
Other names: short protein forms R322K.
Identifiers: ClinVar variation 4278642 (VCV004278642.1).

ClinVar aggregate classification (germline): Uncertain significance (1 of 4 stars; one submission).

Submission:

GeneDx
Classification: Uncertain significance. Last evaluated: 2025-04-03. Review status: criteria provided, single submitter. Criteria: GeneDx Variant Classification Process June 2021. Collection method: clinical testing. Allele origin: germline. Affected: yes.
Comment: Not observed at significant frequency in large population cohorts (gnomAD); In silico analysis indicates that this missense variant does not alter protein structure/function; Has not been previously published as pathogenic or benign to our knowledge